The following is an entry in ClinVar:

NM_004068.4(AP2M1):c.596G>A (p.Arg199Gln)

Gene: AP2M1 (adaptor related protein complex 2 subunit mu 1; plus strand). Cytogenetic location: 3q27.1.
Variant type: single nucleotide variant.
Coding change: c.596G>A on transcript NM_004068.4 (MANE Select); coding-DNA position 596, G replaced by A.
Protein change: p.Arg199Gln; replaces arginine 199 with glutamine.
Molecular consequence: missense variant.
Genome position (GRCh38, 1-based): chr3:184,181,115, G>A. VCF-style: chr3-184181115-G-A. GRCh37 (hg19) VCF-style: chr3-183898903-G-A.
Other names: c.590G>A, p.Arg197Gln (NM_001025205.2); c.671G>A, p.Arg224Gln (NM_001311198.2); short protein forms R197Q, R199Q, R224Q.
Identifiers: ClinVar variation 3901053 (VCV003901053.2).

ClinVar aggregate classification (germline): Uncertain significance. Review status: criteria provided, multiple submitters, no conflicts (2 of 4 stars). 2 submissions from 2 submitters: Uncertain significance (2). Last evaluated 2025-02-17.

Conditions:
Intellectual developmental disorder 60 with seizures. Also called: MENTAL RETARDATION, AUTOSOMAL DOMINANT 60, WITH SEIZURES; INTELLECTUAL DEVELOPMENTAL DISORDER, AUTOSOMAL DOMINANT 60, WITH SEIZURES. Identifiers: MedGen C5231497, MONDO:0032823, OMIM 618587.

gnomAD v4.1: 1 of 1,614,124 alleles (0.000062%); highest among the groups gnomAD compares: Non-Finnish European, 0.000085%; no homozygotes.

Submissions (2):

Labcorp Genetics (formerly Invitae), Labcorp
Classification: Uncertain significance. Last evaluated: 2025-02-17. Review status: criteria provided, single submitter. Criteria: Invitae Variant Classification Sherloc (09022015). Collection method: clinical testing. Allele origin: germline.
Comment: This sequence change replaces arginine, which is basic and polar, with glutamine, which is neutral and polar, at codon 199 of the AP2M1 protein (p.Arg199Gln). This variant is not present in population databases (gnomAD no frequency). This variant has not been reported in the literature in individuals affected with AP2M1-related conditions. An algorithm developed to predict the effect of missense changes on protein structure and function (PolyPhen-2) suggests that this variant is likely to be tolerated. In summary, the available evidence is currently insufficient to determine the role of this variant in disease. Therefore, it has been classified as a Variant of Uncertain Significance.

Laboratorio de Genetica e Diagnostico Molecular, Hospital Israelita Albert Einstein
Classification: Uncertain significance for Intellectual developmental disorder 60 with seizures. Last evaluated: 2023-05-12. Review status: criteria provided, single submitter. Criteria: ACMG Guidelines, 2015. Collection method: clinical testing. Allele origin: germline. Affected: yes.
Comment: ACMG classification criteria: PM2 moderate, BP4 supporting